The following is an entry in ClinVar:

NM_015089.4(CUL9):c.3385-6C>T

Gene: CUL9 (cullin 9; plus strand). Cytogenetic location: 6p21.1.
Variant type: single nucleotide variant.
Coding change: c.3385-6C>T on transcript NM_015089.4 (MANE Select); 6 bases into the intron before coding-DNA position 3385, C replaced by T.
Molecular consequence: intron variant.
Genome position (GRCh38, 1-based): chr6:43,200,430, C>T. VCF-style: chr6-43200430-C-T. GRCh37 (hg19) VCF-style: chr6-43168168-C-T.
Identifiers: ClinVar variation 3034964 (VCV003034964.3), dbSNP rs376671268, ClinGen allele CA3817835.

ClinVar aggregate classification (germline): Likely benign. Review status: criteria provided, single submitter (1 of 4 stars). 2 submissions from 2 submitters: Likely benign (1). 1 of the submissions does not count toward it.

Conditions:
CUL9-related disorder. Also called: CUL9-related condition.

Allele frequency attached by ClinVar (database versions not stated): gnomAD 0.00003; gnomAD exomes 0.00005; TOPMed 0.00006; ExAC 0.00010; ESP Exome Variant Server 0.00015.
gnomAD v4.1: 83 of 1,614,008 alleles (0.0051%); highest among the groups gnomAD compares: Middle Eastern, 0.16%; no homozygotes.

Submissions (2):

Breakthrough Genomics
Classification: Likely benign. Review status: criteria provided, single submitter. Criteria: ACMG Guidelines, 2015. Collection method: not provided. Allele origin: germline. Inheritance: Unknown mechanism. Affected: yes.

PreventionGenetics, part of Exact Sciences
Classification: Likely benign for CUL9-related condition. Last evaluated: 2019-08-06. Review status: no assertion criteria provided. Collection method: clinical testing. Allele origin: germline. Not counted in ClinVar's aggregate classification.
Comment: This variant is classified as likely benign based on ACMG/AMP sequence variant interpretation guidelines (Richards et al. 2015 PMID: 25741868, with internal and published modifications).